The following is an entry in ClinVar:

NM_014915.3(ANKRD26):c.136G>A (p.Asp46Asn)

Genes: ANKRD26 (ankyrin repeat domain 26; minus strand), LOC130003554 (ATAC-STARR-seq lymphoblastoid silent region 2243; plus strand). Cytogenetic location: 10p12.1.
Variant type: single nucleotide variant.
Coding change: c.136G>A on transcript NM_014915.3 (MANE Select); coding-DNA position 136, G replaced by A.
Protein change: p.Asp46Asn; replaces aspartic acid 46 with asparagine.
Molecular consequence: missense variant.
Genome position (GRCh38, 1-based): chr10:27,100,191, C>T on the plus strand (G>A on the coding strand, the complement: ANKRD26 is on the minus strand). VCF-style: chr10-27100191-C-T. GRCh37 (hg19) VCF-style: chr10-27389120-C-T.
Other names: c.136G>A, p.Asp46Asn (NM_001256053.2); short protein forms D46N.
Identifiers: ClinVar variation 2503379 (VCV002503379.3), dbSNP rs778172653, ClinGen allele CA5449050.

ClinVar aggregate classification (germline): Uncertain significance. Review status: criteria provided, multiple submitters, no conflicts (2 of 4 stars). 3 submissions from 3 submitters: Uncertain significance (3). Last evaluated 2025-07-01.

Conditions:
ANKRD26-related disorder. Also called: ANKRD26-related condition.

Allele frequency attached by ClinVar (database versions not stated): ExAC 0.00002; TOPMed 0.00002; gnomAD 0.00003; gnomAD exomes 0.00004.
gnomAD v4.1: 63 of 1,613,858 alleles (0.0039%); highest among the groups gnomAD compares: Non-Finnish European, 0.0053%; no homozygotes.

Submissions (3):

GeneDx
Classification: Uncertain significance. Last evaluated: 2025-07-01. Review status: criteria provided, single submitter. Criteria: GeneDx Variant Classification Process June 2021. Collection method: clinical testing. Allele origin: germline.
Comment: In silico analysis supports that this missense variant has a deleterious effect on protein structure/function; Has not been previously published as pathogenic or benign to our knowledge

Blueprint Genetics
Classification: Uncertain significance. Last evaluated: 2024-04-22. Review status: criteria provided, single submitter. Criteria: ACMG Guidelines, 2015. Collection method: clinical testing. Allele origin: germline.

PreventionGenetics, part of Exact Sciences
Classification: Uncertain significance for ANKRD26-related condition. Last evaluated: 2022-09-26. Review status: criteria provided, single submitter. Criteria: ACMG Guidelines, 2015. Collection method: clinical testing. Allele origin: germline.
Comment: The ANKRD26 c.136G>A variant is predicted to result in the amino acid substitution p.Asp46Asn. To our knowledge, this variant has not been reported in the literature. This variant is reported in 0.0062% of alleles in individuals of European (Non-Finnish) descent in gnomAD. At this time, the clinical significance of this variant is uncertain due to the absence of conclusive functional and genetic evidence.